The following is an entry in ClinVar:

ClinVar aggregate classification (germline): Uncertain significance (1 of 4 stars; one submission).

Allele frequency attached by ClinVar (database versions not stated): gnomAD exomes below 0.00001.
gnomAD v4.1: 4 of 1,596,544 alleles (0.00025%); highest among the groups gnomAD compares: East Asian, 0.0045%; no homozygotes.

Submission:

Labcorp Genetics (formerly Invitae), Labcorp
Classification: Uncertain significance. Last evaluated: 2020-06-19. Review status: criteria provided, single submitter. Criteria: Invitae Variant Classification Sherloc (09022015). Collection method: clinical testing. Allele origin: germline.
Comment: Algorithms developed to predict the effect of missense changes on protein structure and function are either unavailable or do not agree on the potential impact of this missense change (SIFT: "Deleterious"; PolyPhen-2: "Probably Damaging"; Align-GVGD: "Class C0"). In summary, the available evidence is currently insufficient to determine the role of this variant in disease. Therefore, it has been classified as a Variant of Uncertain Significance. This variant has not been reported in the literature in individuals with SZT2-related conditions. This sequence change replaces serine with cysteine at codon 719 of the SZT2 protein (p.Ser719Cys). The serine residue is moderately conserved and there is a moderate physicochemical difference between serine and cysteine. This variant is not present in population databases (ExAC no frequency).

NM_001365999.1(SZT2):c.2156C>G (p.Ser719Cys)

Gene: SZT2 (SZT2 subunit of KICSTOR complex; plus strand). Cytogenetic location: 1p34.2.
Variant type: single nucleotide variant.
Coding change: c.2156C>G on transcript NM_001365999.1 (MANE Select); coding-DNA position 2156, C replaced by G.
Protein change: p.Ser719Cys; replaces serine 719 with cysteine.
Molecular consequence: missense variant.
Genome position (GRCh38, 1-based): chr1:43,423,217, C>G. VCF-style: chr1-43423217-C-G. GRCh37 (hg19) VCF-style: chr1-43888888-C-G.
Other names: c.2156C>G, p.Ser719Cys (NM_015284.4); short protein forms S719C.
Identifiers: ClinVar variation 1018224 (VCV001018224.8), dbSNP rs1652634600, ClinGen allele CA340011240.